The following is an entry in ClinVar:

NM_000214.3(JAG1):c.1404dup (p.Asn469Ter)

Gene: JAG1 (jagged canonical Notch ligand 1; minus strand). Cytogenetic location: 20p12.2.
Variant type: Duplication.
Coding change: c.1404dup on transcript NM_000214.3 (MANE Select); coding-DNA position 1404, one base duplicated (T; older notation c.1404dupT).
Protein change: p.Asn469Ter; replaces asparagine 469 with a stop codon.
Molecular consequence: nonsense.
Genome position (GRCh38, 1-based): chr20:10,648,714, A duplicated on the plus strand (T on the coding strand, the reverse complement: JAG1 is on the minus strand); the first of 2 consecutive A bases (chr20:10,648,714-10,648,715); duplicating either gives the same sequence. VCF-style (leftmost placement, unchanged base first): chr20-10648713-T-TA. GRCh37 (hg19) VCF-style: chr20-10629361-T-TA.
Other names: short protein forms N469*.
Identifiers: ClinVar variation 3664302 (VCV003664302.2).

ClinVar aggregate classification (germline): Pathogenic (1 of 4 stars; one submission).

Conditions:
Alagille syndrome due to a JAG1 point mutation. Also called: HEPATIC DUCTULAR HYPOPLASIA, SYNDROMATIC; JAG1-Related Alagille Syndrome; Alagille Syndrome 1. Identifiers: Orphanet 261619, Orphanet 52, MedGen C1956125, MONDO:0016862, OMIM 118450.

Submission:

Labcorp Genetics (formerly Invitae), Labcorp
Classification: Pathogenic for Alagille syndrome due to a JAG1 point mutation. Last evaluated: 2024-09-02. Review status: criteria provided, single submitter. Criteria: Invitae Variant Classification Sherloc (09022015). Collection method: clinical testing. Allele origin: germline.
Comment: This sequence change creates a premature translational stop signal (p.Asn469*) in the JAG1 gene. It is expected to result in an absent or disrupted protein product. Loss-of-function variants in JAG1 are known to be pathogenic (PMID: 11180599). This variant is not present in population databases (gnomAD no frequency). This variant has not been reported in the literature in individuals affected with JAG1-related conditions. For these reasons, this variant has been classified as Pathogenic.

Literature cited by the submitters: PubMed 11180599.